The following is an entry in ClinVar:

NM_000543.5(SMPD1):c.1763C>T (p.Thr588Met)

Gene: SMPD1 (sphingomyelin phosphodiesterase 1; plus strand). Cytogenetic location: 11p15.4.
Variant type: single nucleotide variant.
Coding change: c.1763C>T on transcript NM_000543.5 (MANE Select); coding-DNA position 1763, C replaced by T.
Protein change: p.Thr588Met; replaces threonine 588 with methionine.
Molecular consequence: missense variant. On other transcripts: 3 prime UTR variant (1), non-coding transcript variant (2).
Genome position (GRCh38, 1-based): chr11:6,394,474, C>T. VCF-style: chr11-6394474-C-T. GRCh37 (hg19) VCF-style: chr11-6415704-C-T.
Other names: p.Thr588Met; c.1760C>T, p.Thr587Met (NM_001007593.3); c.*256C>T (NM_001318087.2); c.842C>T, p.Thr281Met (NM_001318088.2); c.1631C>T, p.Thr544Met (NM_001365135.2); short protein forms T588M, T281M, T587M, T544M.
Identifiers: ClinVar variation 235264 (VCV000235264.34), dbSNP rs35785620, ClinGen allele CA5852983.

ClinVar aggregate classification (germline): Benign/Likely benign. Review status: criteria provided, multiple submitters, no conflicts (2 of 4 stars). 11 submissions from 11 submitters: Benign (7); Likely benign (2). 2 of the submissions do not count toward it. Last evaluated 2026-04-01.

Conditions:
SMPD1-related disorder. Also called: SMPD1-related condition.
Niemann-Pick disease, type B. Also called: Chronic Visceral ASMD (Niemann-Pick Disease Type B; NPD-B). Identifiers: Orphanet 77293, MedGen C0268243, MONDO:0011871, OMIM 607616. Disease mechanism: loss of function.
Niemann-Pick disease, type A. Also called: SPHINGOMYELIN LIPIDOSIS; SPHINGOMYELINASE DEFICIENCY; Infantile Neurovisceral ASMD (Niemann-Pick Disease Type A; NPD-A). Identifiers: Orphanet 77292, MedGen C0268242, MONDO:0009756, OMIM 257200. Disease mechanism: loss of function.

Allele frequency attached by ClinVar (database versions not stated): gnomAD 0.01390; ESP Exome Variant Server 0.01555; TOPMed 0.01581; 1000 Genomes Project 0.01617; 1000 Genomes Project 30x 0.01749.
gnomAD v4.1: 3,824 of 1,614,028 alleles (0.24%); highest among the groups gnomAD compares: African/African-American, 4.6%; 87 homozygotes.

Submissions (11):

CeGaT Center for Human Genetics Tuebingen
Classification: Benign. Last evaluated: 2026-04-01. Review status: criteria provided, single submitter. Criteria: CeGaT Center For Human Genetics Tuebingen Variant Classification Criteria Version 2. Collection method: clinical testing. Allele origin: germline. Affected: yes. Observed: 2 variant alleles.
Comment: SMPD1: BP4, BS1, BS2

Labcorp Genetics (formerly Invitae), Labcorp
Classification: Benign for Niemann-Pick disease, type B; Niemann-Pick disease, type A. Last evaluated: 2026-02-04. Review status: criteria provided, single submitter. Criteria: Invitae Variant Classification Sherloc (09022015). Collection method: clinical testing. Allele origin: germline.

Mayo Clinic Laboratories, Mayo Clinic
Classification: Benign. Last evaluated: 2021-05-21. Review status: criteria provided, single submitter. Criteria: ACMG Guidelines, 2015. Collection method: clinical testing. Allele origin: germline. Observed: 14 variant alleles.

GeneDx
Classification: Benign. Last evaluated: 2018-06-13. Review status: criteria provided, single submitter. Criteria: GeneDx Variant Classification (06012015). Collection method: clinical testing. Allele origin: germline. Affected: yes.
Comment: This variant is considered likely benign or benign based on one or more of the following criteria: it is a conservative change, it occurs at a poorly conserved position in the protein, it is predicted to be benign by multiple in silico algorithms, and/or has population frequency not consistent with disease.

Women's Health and Genetics/Laboratory Corporation of America, LabCorp
Classification: Benign. Last evaluated: 2018-06-04. Review status: criteria provided, single submitter. Criteria: LabCorp Variant Classification Summary - May 2015. Collection method: clinical testing. Allele origin: germline.
Comment: Variant summary: SMPD1 c.1763C>T (p.Thr588Met) results in a non-conservative amino acid change in the encoded protein sequence. Four of five in-silico tools predict a benign effect of the variant on protein function. The variant allele was found at a frequency of 0.0043 in 121316 control chromosomes, predominantly at a frequency of 0.047 within the African or African-American subpopulation in the ExAC database, including 16 homozygotes. The observed variant frequency within African or African-American control individuals in the ExAC database is approximately 21.019 fold of the estimated maximal expected allele frequency for a pathogenic variant in SMPD1 causing Niemann-Pick Disease Type A phenotype (0.0022), strongly suggesting that the variant is a benign polymorphism found primarily in populations of African or African-American origin. To our knowledge, no occurrence of c.1763C>T in individuals affected with Niemann-Pick Disease Type A and no experimental evidence demonstrating its impact on protein function have been reported. Four clinical diagnostic laboratories have submitted clinical-significance assessments for this variant to ClinVar after 2014 without evidence for independent evaluation. All laboratories classified the variant as benign/likely benign. Based on the evidence outlined above, the variant was classified as benign.

Illumina Laboratory Services, Illumina
Classification: Benign for Niemann-Pick disease, type A. Last evaluated: 2018-01-13. Review status: criteria provided, single submitter. Criteria: ICSL Variant Classification Criteria 13 December 2019. Collection method: clinical testing. Allele origin: germline.
Comment: This variant was observed in the ICSL laboratory as part of a predisposition screen in an ostensibly healthy population. It had not been previously curated by ICSL or reported in the Human Gene Mutation Database (HGMD: prior to June 1st, 2018), and was therefore a candidate for classification through an automated scoring system. Utilizing variant allele frequency, disease prevalence and penetrance estimates, and inheritance mode, an automated score was calculated to assess if this variant is too frequent to cause the disease. Based on the score and internal cut-off values, a variant classified as benign is not then subjected to further curation. The score for this variant resulted in a classification of benign for this disease.

Eurofins Ntd Llc (ga)
Classification: Benign. Last evaluated: 2016-05-24. Review status: criteria provided, single submitter. Criteria: EGL Classification Definitions 2015. Collection method: clinical testing. Allele origin: germline. Observed: 1 variant allele, 1 heterozygote.

Center for Pediatric Genomic Medicine, Children's Mercy Hospital and Clinics
Classification: Likely benign. Last evaluated: 2015-08-25. Review status: criteria provided, single submitter. Criteria: ACMG Guidelines, 2015. Collection method: clinical testing. Allele origin: germline.
ClinVar note: Converted during submission from Likely Benign to Likely benign.

Breakthrough Genomics
Classification: Likely benign. Review status: criteria provided, single submitter. Criteria: ACMG Guidelines, 2015. Collection method: not provided. Allele origin: germline. Inheritance: Autosomal recessive inheritance. Affected: yes.

PreventionGenetics, part of Exact Sciences
Classification: Benign for SMPD1-related condition. Last evaluated: 2019-08-28. Review status: no assertion criteria provided. Collection method: clinical testing. Allele origin: germline. Not counted in ClinVar's aggregate classification.
Comment: This variant is classified as benign based on ACMG/AMP sequence variant interpretation guidelines (Richards et al. 2015 PMID: 25741868, with internal and published modifications).

Natera, Inc.
Classification: Benign for Niemann-Pick Disease, Types A/B. Last evaluated: 2017-06-30. Review status: no assertion criteria provided. Collection method: clinical testing. Allele origin: germline. Not counted in ClinVar's aggregate classification.